The following is an entry in ClinVar:

ClinVar aggregate classification (germline): Pathogenic (1 of 4 stars; one submission).

Conditions:
Methylmalonic aciduria, cblA type (MACA). Also called: Methylmalonic aciduria, vitamin B12-responsive; Methylmalonic aciduria, vitamin b12-responsive, due to defect in synthesis of adenosylcobalamin, cbla complementation type; MMA cbl A type; Methylmalonic acidemia cblA type; Vitamin B12-responsive methylmalonic acidemia type cblA. Identifiers: Orphanet 28, Orphanet 79310, MedGen C1855109, MONDO:0009613, OMIM 251100.

Allele frequency attached by ClinVar (database versions not stated): gnomAD exomes below 0.00001.
gnomAD v4.1: 1 of 1,613,000 alleles (0.000062%); highest among the groups gnomAD compares: Non-Finnish European, 0.000085%; no homozygotes.

Submission:

Labcorp Genetics (formerly Invitae), Labcorp
Classification: Pathogenic for Methylmalonic aciduria, cblA type. Last evaluated: 2022-08-21. Review status: criteria provided, single submitter. Criteria: Invitae Variant Classification Sherloc (09022015). Collection method: clinical testing. Allele origin: germline.
Comment: For these reasons, this variant has been classified as Pathogenic. Algorithms developed to predict the effect of sequence changes on RNA splicing suggest that this variant may disrupt the consensus splice site. This variant has not been reported in the literature in individuals affected with MMAA-related conditions. This variant is present in population databases (no rsID available, gnomAD 0.003%). This sequence change creates a premature translational stop signal (p.Gln273*) in the MMAA gene. It is expected to result in an absent or disrupted protein product. Loss-of-function variants in MMAA are known to be pathogenic (PMID: 15523652, 15781192).

Literature cited by the submitters: PubMed 15523652; PubMed 15781192.

NM_172250.3(MMAA):c.817C>T (p.Gln273Ter)

Gene: MMAA (metabolism of cobalamin associated A; plus strand). Cytogenetic location: 4q31.21.
Variant type: single nucleotide variant.
Coding change: c.817C>T on transcript NM_172250.3 (MANE Select); coding-DNA position 817, C replaced by T.
Protein change: p.Gln273Ter; replaces glutamine 273 with a stop codon.
Molecular consequence: nonsense.
Genome position (GRCh38, 1-based): chr4:145,651,145, C>T. VCF-style: chr4-145651145-C-T. GRCh37 (hg19) VCF-style: chr4-146572297-C-T.
Other names: c.817C>T, p.Gln273Ter (NM_001375644.1); short protein forms Q273*.
Identifiers: ClinVar variation 2025789 (VCV002025789.4), dbSNP rs1240340814, ClinGen allele CA358341836.
Genomic context (GRCh38, chr4:145,651,145, plus strand): 5'-GTTGCTGACATGGTTGACATGTTTGTTTTACTACTGCCACCAGCAGGAGGAGATGAGCTG[C>T]AGGTAATTATTTTTATTTTTTCCCCCAAAAATATAAAATGTATATCTCTGAAAATAAAAA-3'